The following is an entry in ClinVar:

NM_000565.4(IL6R):c.292C>T (p.Arg98Trp)

Gene: IL6R (interleukin 6 receptor; plus strand). Cytogenetic location: 1q21.3.
Variant type: single nucleotide variant.
Coding change: c.292C>T on transcript NM_000565.4 (MANE Select); coding-DNA position 292, C replaced by T.
Protein change: p.Arg98Trp; replaces arginine 98 with tryptophan.
Molecular consequence: missense variant. On other transcripts: intron variant (1).
Genome position (GRCh38, 1-based): chr1:154,429,402, C>T. VCF-style: chr1-154429402-C-T. GRCh37 (hg19) VCF-style: chr1-154401878-C-T.
Other names: c.292C>T, p.Arg98Trp (NM_001206866.2, NM_001382769.1, NM_001382770.1 and 4 more transcripts); c.126+166C>T (NM_001382774.1); c.292C>T (NM_000565.3); short protein forms R98W.
Identifiers: ClinVar variation 1441217 (VCV001441217.4), dbSNP rs370155930, ClinGen allele CA1128956.

ClinVar aggregate classification (germline): Uncertain significance. Review status: criteria provided, multiple submitters, no conflicts (2 of 4 stars). 2 submissions from 2 submitters: Uncertain significance (2). Last evaluated 2025-02-01.

Allele frequency attached by ClinVar (database versions not stated): ExAC 0.00001; gnomAD 0.00006 and 0.00007.
gnomAD v4.1: 36 of 1,613,806 alleles (0.0022%); highest among the groups gnomAD compares: African/African-American, 0.011%; no homozygotes.

Submissions (2):

Ambry Genetics
Classification: Uncertain significance. Last evaluated: 2025-02-01. Review status: criteria provided, single submitter. Criteria: Ambry Variant Classification Scheme 2023. Collection method: clinical testing. Allele origin: germline.

Labcorp Genetics (formerly Invitae), Labcorp
Classification: Uncertain significance. Last evaluated: 2022-05-27. Review status: criteria provided, single submitter. Criteria: Invitae Variant Classification Sherloc (09022015). Collection method: clinical testing. Allele origin: germline.
Comment: This sequence change replaces arginine, which is basic and polar, with tryptophan, which is neutral and slightly polar, at codon 98 of the IL6R protein (p.Arg98Trp). This variant is present in population databases (rs370155930, gnomAD 0.008%). This variant has not been reported in the literature in individuals affected with IL6R-related conditions. ClinVar contains an entry for this variant (Variation ID: 1441217). Algorithms developed to predict the effect of missense changes on protein structure and function (SIFT, PolyPhen-2, Align-GVGD) all suggest that this variant is likely to be tolerated. In summary, the available evidence is currently insufficient to determine the role of this variant in disease. Therefore, it has been classified as a Variant of Uncertain Significance.